The following is an entry in ClinVar:

ClinVar aggregate classification (germline): Uncertain significance (1 of 4 stars; one submission).

Conditions:
Intellectual developmental disorder, autosomal dominant 1. Also called: Intellectual disability, autosomal dominant 1; MBD5 Haploinsufficiency. Identifiers: Orphanet 228402, MedGen C1969562, MONDO:0007974, OMIM 156200.

Submission:

Labcorp Genetics (formerly Invitae), Labcorp
Classification: Uncertain significance for Intellectual developmental disorder, autosomal dominant 1. Last evaluated: 2022-07-12. Review status: criteria provided, single submitter. Criteria: Invitae Variant Classification Sherloc (09022015). Collection method: clinical testing. Allele origin: germline.
Comment: Algorithms developed to predict the effect of missense changes on protein structure and function are either unavailable or do not agree on the potential impact of this missense change (SIFT: "Deleterious"; PolyPhen-2: "Possibly Damaging"; Align-GVGD: "Class C0"). In summary, the available evidence is currently insufficient to determine the role of this variant in disease. Therefore, it has been classified as a Variant of Uncertain Significance. ClinVar contains an entry for this variant (Variation ID: 1436542). This variant has not been reported in the literature in individuals affected with MBD5-related conditions. This variant is not present in population databases (gnomAD no frequency). This sequence change replaces alanine, which is neutral and non-polar, with serine, which is neutral and polar, at codon 430 of the MBD5 protein (p.Ala430Ser).

NM_001378120.1(MBD5):c.1288G>T (p.Ala430Ser)

Gene: MBD5 (methyl-CpG binding domain protein 5; plus strand). Cytogenetic location: 2q23.1.
Variant type: single nucleotide variant.
Coding change: c.1288G>T on transcript NM_001378120.1 (MANE Select); coding-DNA position 1288, G replaced by T.
Protein change: p.Ala430Ser; replaces alanine 430 with serine.
Molecular consequence: missense variant.
Genome position (GRCh38, 1-based): chr2:148,469,231, G>T. VCF-style: chr2-148469231-G-T. GRCh37 (hg19) VCF-style: chr2-149226800-G-T.
Other names: c.1288G>T, p.Ala430Ser (NM_018328.5); short protein forms A430S.
Identifiers: ClinVar variation 1436542 (VCV001436542.8), dbSNP rs2105631326, ClinGen allele CA348719383.